The following is an entry in ClinVar:

NM_001040694.2(INCENP):c.876G>A (p.Thr292=)

Gene: INCENP (inner centromere protein; plus strand). Cytogenetic location: 11q12.3.
Variant type: single nucleotide variant.
Coding change: c.876G>A on transcript NM_001040694.2 (MANE Select); coding-DNA position 876, G replaced by A.
Protein change: p.Thr292=; no amino-acid change (threonine 292 retained).
Molecular consequence: synonymous variant.
Genome position (GRCh38, 1-based): chr11:62,130,403, G>A. VCF-style: chr11-62130403-G-A. GRCh37 (hg19) VCF-style: chr11-61897875-G-A.
Other names: c.876G>A, p.Thr292= (NM_020238.3).
Identifiers: ClinVar variation 2641841 (VCV002641841.24), dbSNP rs1300680526, ClinGen allele CA475094359.

ClinVar aggregate classification (germline): Likely benign (1 of 4 stars; one submission).

Allele frequency attached by ClinVar (database versions not stated): TOPMed below 0.00001; gnomAD exomes 0.00001.
gnomAD v4.1: 12 of 1,613,316 alleles (0.00074%); highest among the groups gnomAD compares: Non-Finnish European, 0.00085%; no homozygotes.

Submission:

CeGaT Center for Human Genetics Tuebingen
Classification: Likely benign. Last evaluated: 2022-06-01. Review status: criteria provided, single submitter. Criteria: CeGaT Center For Human Genetics Tuebingen Variant Classification Criteria Version 2. Collection method: clinical testing. Allele origin: germline. Affected: yes. Observed: 1 variant allele.
Comment: INCENP: BP4, BP7